The following is an entry in ClinVar:

NM_022455.5(NSD1):c.1756A>T (p.Asn586Tyr)

Gene: NSD1 (nuclear receptor binding SET domain protein 1; plus strand). Cytogenetic location: 5q35.3.
Variant type: single nucleotide variant.
Coding change: c.1756A>T on transcript NM_022455.5 (MANE Select); coding-DNA position 1756, A replaced by T.
Protein change: p.Asn586Tyr; replaces asparagine 586 with tyrosine.
Molecular consequence: missense variant.
Genome position (GRCh38, 1-based): chr5:177,210,155, A>T. VCF-style: chr5-177210155-A-T. GRCh37 (hg19) VCF-style: chr5-176637156-A-T.
Other names: c.883A>T, p.Asn295Tyr (NM_001365684.2, NM_001409306.1, NM_001409307.1 and 3 more transcripts); c.1756A>T, p.Asn586Tyr (NM_001409301.1, NM_001409302.1, NM_001409303.1); c.1336A>T, p.Asn446Tyr (NM_001409304.1); c.1003A>T, p.Asn335Tyr (NM_001409305.1); short protein forms N295Y, N335Y, N586Y, N446Y.
Identifiers: ClinVar variation 5006869 (VCV005006869.2).

ClinVar aggregate classification (germline): Uncertain significance (1 of 4 stars; one submission).

Conditions:
Sotos syndrome (SOTOS). Also called: CEREBRAL GIGANTISM; Distinctive facial appearance, overgrowth in childhood, and learning disabilities or delayed development; SOTOS SYNDROME 1; Sotos' syndrome; CHROMOSOME 5q35 DELETION SYNDROME. Identifiers: Orphanet 821, MedGen C0175695, MONDO:0019349, OMIM 117550.

Submission:

Juno Genomics, Hangzhou Juno Genomics, Inc
Classification: Uncertain significance for Sotos syndrome. Review status: criteria provided, single submitter. Criteria: ACMG Guidelines, 2015. Collection method: clinical testing. Allele origin: germline.
Comment: Absent from controls (or at extremely low frequency if recessive) in Genome Aggregation Database.;Missense variant in a gene that has a low rate of benign missense variation.;Multiple lines of computational evidence suggest no impact on gene or gene product.